The following is an entry in ClinVar:

NM_000051.4(ATM):c.5915A>C (p.Lys1972Thr)

Genes: ATM (ATM serine/threonine kinase; plus strand), C11orf65 (chromosome 11 open reading frame 65; minus strand). Cytogenetic location: 11q22.3.
Variant type: single nucleotide variant.
Coding change: c.5915A>C on transcript NM_000051.4 (MANE Select); coding-DNA position 5915, A replaced by C.
Protein change: p.Lys1972Thr; replaces lysine 1972 with threonine.
Molecular consequence: missense variant. On other transcripts: intron variant (2).
Genome position (GRCh38, 1-based): chr11:108,310,312, A>C. VCF-style: chr11-108310312-A-C. GRCh37 (hg19) VCF-style: chr11-108181039-A-C.
Other names: p.K1972T:AAA>ACA; c.5915A>C, p.Lys1972Thr (NM_001351834.2); c.641-1241T>G (NM_001330368.2); c.*39-1241T>G (NM_001351110.2); short protein forms K1972T.
Identifiers: ClinVar variation 181971 (VCV000181971.16), dbSNP rs730881377, ClinGen allele CA298287.

ClinVar aggregate classification (germline): Uncertain significance. Review status: criteria provided, multiple submitters, no conflicts (2 of 4 stars). 5 submissions from 5 submitters: Uncertain significance (5). Last evaluated 2025-12-01.

Conditions:
Hereditary cancer-predisposing syndrome. Also called: Hereditary Cancer Syndrome; Tumor predisposition; Neoplastic Syndromes, Hereditary; Hereditary neoplastic syndrome. Identifiers: Orphanet 140162, MedGen C0027672, MeSH D009386, MONDO:0015356.
Familial cancer of breast. Also called: hereditary breast carcinoma; BREAST CANCER, FAMILIAL; Hereditary breast cancer. Identifiers: Orphanet 227535, MedGen C0346153, MONDO:0016419, OMIM 114480. Disease mechanism: loss of function.
Ataxia-telangiectasia syndrome (AT). Also called: ATAXIA-TELANGIECTASIA, COMPLEMENTATION GROUP A; ATAXIA-TELANGIECTASIA, FRESNO VARIANT; Ataxia-telangiectasia; Ataxia-telangiectasia, complementation group E; Cerebello-oculocutaneous telangiectasia; Immunodeficiency with ataxia telangiectasia. Identifiers: Orphanet 100, MedGen C0004135, MONDO:0008840, OMIM 208900.

Allele frequency attached by ClinVar (database versions not stated): gnomAD exomes below 0.00001.
gnomAD v4.1: 3 of 1,612,798 alleles (0.00019%); highest among the groups gnomAD compares: Non-Finnish European, 0.00017%; no homozygotes.

Submissions (5):

Labcorp Genetics (formerly Invitae), Labcorp
Classification: Uncertain significance for Ataxia-telangiectasia syndrome. Last evaluated: 2025-12-01. Review status: criteria provided, single submitter. Criteria: Invitae Variant Classification Sherloc (09022015). Collection method: clinical testing. Allele origin: germline.
Comment: This sequence change replaces lysine, which is basic and polar, with threonine, which is neutral and polar, at codon 1972 of the ATM protein (p.Lys1972Thr). This variant is not present in population databases (gnomAD no frequency). This variant has not been reported in the literature in individuals affected with ATM-related conditions. ClinVar contains an entry for this variant (Variation ID: 181971). Invitae Evidence Modeling of protein sequence and biophysical properties (such as structural, functional, and spatial information, amino acid conservation, physicochemical variation, residue mobility, and thermodynamic stability) indicates that this missense variant is not expected to disrupt ATM protein function with a negative predictive value of 95%. In summary, the available evidence is currently insufficient to determine the role of this variant in disease. Therefore, it has been classified as a Variant of Uncertain Significance.

Baylor Genetics
Classification: Uncertain significance for Familial cancer of breast. Last evaluated: 2024-02-28. Review status: criteria provided, single submitter. Criteria: ACMG Guidelines, 2015. Collection method: clinical testing. Allele origin: unknown.

Women's Health and Genetics/Laboratory Corporation of America, LabCorp
Classification: Uncertain significance. Last evaluated: 2023-09-29. Review status: criteria provided, single submitter. Criteria: LabCorp Variant Classification Summary - May 2015. Collection method: clinical testing. Allele origin: germline.

Ambry Genetics
Classification: Uncertain significance for Hereditary cancer-predisposing syndrome. Last evaluated: 2022-02-23. Review status: criteria provided, single submitter. Criteria: Ambry Variant Classification Scheme 2023. Collection method: clinical testing. Allele origin: germline.
Comment: The p.K1972T variant (also known as c.5915A>C), located in coding exon 38 of the ATM gene, results from an A to C substitution at nucleotide position 5915. The lysine at codon 1972 is replaced by threonine, an amino acid with similar properties. This amino acid position is well conserved in available vertebrate species. In addition, this alteration is predicted to be tolerated by in silico analysis. Since supporting evidence is limited at this time, the clinical significance of this alteration remains unclear.

GeneDx
Classification: Uncertain significance. Last evaluated: 2014-04-21. Review status: criteria provided, single submitter. Criteria: GeneDx Variant Classification (06012015). Collection method: clinical testing. Allele origin: germline. Affected: yes.
Comment: This variant is denoted ATM c.5915A>C at the cDNA level, p.Lys1972Thr (K1972T) at the protein level, and results in the change of a Lysine to a Threonine (AAA>ACA). This variant has not, to our knowledge, been published in the literature as pathogenic or benign. ATM Lys1972Thr was not observed in approximately 6,500 individuals of European and African American ancestry in the NHLBI Exome Sequencing Project, indicating it is not a common benign variant in these populations. Since Lysine and Threonine differ in some properties, this is considered a semi-conservative amino acid substitution. ATM Lys1972Thr occurs at a position that is highly conserved across species and is located in the FAT domain (UniProt). In silico analyses predict that this variant is unlikely to alter protein structure or function. Based on currently available information, it is unclear whether ATM Lys1972Thr is pathogenic or benign. We consider it to be a variant of uncertain significance.